The following is an entry in ClinVar:

ClinVar aggregate classification (germline): Pathogenic. Review status: criteria provided, single submitter (1 of 4 stars). 2 submissions from 2 submitters: Pathogenic (1). 1 of the submissions does not count toward it. Last evaluated 2021-12-02.

Conditions:
Hypocalcemia. Identifiers: MedGen C0020598, HP:0002901.
CASR-related disorder. Also called: CASR-related condition.

Allele frequency attached by ClinVar (database versions not stated): gnomAD 0.00001.
gnomAD v4.1: 1 of 1,611,680 alleles (0.000062%); highest among the groups gnomAD compares: Non-Finnish European, 0.000085%; no homozygotes.

Submissions (2):

Institute of Human Genetics, Cologne University
Classification: Pathogenic for Hypocalcemia. Last evaluated: 2021-12-02. Review status: criteria provided, single submitter. Criteria: ACMG Guidelines, 2015. Collection method: clinical testing. Allele origin: paternal. Affected: yes.

PreventionGenetics, part of Exact Sciences
Classification: Pathogenic for CASR-related condition. Last evaluated: 2024-01-04. Review status: no assertion criteria provided. Collection method: clinical testing. Allele origin: germline. Not counted in ClinVar's aggregate classification.
Comment: The CASR c.1589G>A variant is predicted to result in premature protein termination (p.Trp530*). This variant was reported in an individual with familial hypocalciuric hypercalcemia (Nissen et al. 2012. PubMed ID: 22192860). This variant has not been reported in a large population database, indicating this variant is rare. Nonsense variants in CASR are expected to be pathogenic. This variant is interpreted as pathogenic.

NM_000388.4(CASR):c.1589G>A (p.Trp530Ter)

Gene: CASR (calcium sensing receptor; plus strand). Cytogenetic location: 3q21.1.
Variant type: single nucleotide variant.
Coding change: c.1589G>A on transcript NM_000388.4 (MANE Select); coding-DNA position 1589, G replaced by A.
Protein change: p.Trp530Ter; replaces tryptophan 530 with a stop codon.
Molecular consequence: nonsense.
Genome position (GRCh38, 1-based): chr3:122,276,023, G>A. VCF-style: chr3-122276023-G-A. GRCh37 (hg19) VCF-style: chr3-121994870-G-A.
Other names: c.1589G>A, p.Trp530Ter (NM_001178065.2); c.1589G>A (NM_001178065.1); short protein forms W530*.
Identifiers: ClinVar variation 1328470 (VCV001328470.3), dbSNP rs1260540509, ClinGen allele CA354155551.
Genomic context (GRCh38, chr3:122,276,023, plus strand): 5'-ATTACAACGTCTATGCCAAGAAGGGAGAAAGACTCTTCATCAACGAGGAGAAAATCCTGT[G>A]GAGTGGGTTCTCCAGGGAGGTAGGTGCTGTCCATCAGAAAACCAGATGTCTCCACCAGGG-3'